The following is an entry in ClinVar:

NM_001709.5(BDNF):c.102C>T (p.Tyr34=)

Genes: BDNF (brain derived neurotrophic factor; minus strand), BDNF-AS (BDNF antisense RNA; plus strand). Cytogenetic location: 11p14.1.
Variant type: single nucleotide variant.
Coding change: c.102C>T on transcript NM_001709.5 (MANE Select); coding-DNA position 102, C replaced by T.
Protein change: p.Tyr34=; no amino-acid change (tyrosine 34 retained).
Molecular consequence: synonymous variant.
Genome position (GRCh38, 1-based): chr11:27,658,463, G>A on the plus strand (C>T on the coding strand, the complement: BDNF is on the minus strand). VCF-style: chr11-27658463-G-A. GRCh37 (hg19) VCF-style: chr11-27680010-G-A.
Other names: c.102C>T, p.Tyr34= (NM_001143805.1, NM_001143806.1, NM_001143807.2 and 9 more transcripts); c.189C>T, p.Tyr63= (NM_001143809.2); c.348C>T, p.Tyr116= (NM_001143810.2); c.126C>T, p.Tyr42= (NM_170731.5); c.147C>T, p.Tyr49= (NM_170734.4).
Identifiers: ClinVar variation 3030850 (VCV003030850.2), dbSNP rs2538964863, ClinGen allele CA473781678.

ClinVar aggregate classification (germline): Likely benign (0 of 4 stars; one submission).

Conditions:
BDNF-related disorder. Also called: BDNF-related condition.

Submission:

PreventionGenetics, part of Exact Sciences
Classification: Likely benign for BDNF-related condition. Last evaluated: 2020-12-15. Review status: no assertion criteria provided. Collection method: clinical testing. Allele origin: germline.
Comment: This variant is classified as likely benign based on ACMG/AMP sequence variant interpretation guidelines (Richards et al. 2015 PMID: 25741868, with internal and published modifications).